The following is an entry in ClinVar:

ClinVar aggregate classification (germline): Uncertain significance (1 of 4 stars; one submission).

Conditions:
LAMA2-related muscular dystrophy (LAMA2-RD). Also called: Laminin alpha 2-related dystrophy. Identifiers: MedGen C5679788, MONDO:0100228.

gnomAD v4.1: 2 of 1,610,596 alleles (0.00012%); highest among the groups gnomAD compares: East Asian, 0.0022%; no homozygotes.

Submission:

Labcorp Genetics (formerly Invitae), Labcorp
Classification: Uncertain significance for LAMA2-related muscular dystrophy. Last evaluated: 2021-08-31. Review status: criteria provided, single submitter. Criteria: Invitae Variant Classification Sherloc (09022015). Collection method: clinical testing. Allele origin: germline.
Comment: This sequence change replaces threonine with isoleucine at codon 2781 of the LAMA2 protein (p.Thr2781Ile). The threonine residue is moderately conserved and there is a moderate physicochemical difference between threonine and isoleucine. This variant is not present in population databases (ExAC no frequency). This variant has not been reported in the literature in individuals affected with LAMA2-related conditions. Advanced modeling of protein sequence and biophysical properties (such as structural, functional, and spatial information, amino acid conservation, physicochemical variation, residue mobility, and thermodynamic stability) performed at Invitae indicates that this missense variant is not expected to disrupt LAMA2 protein function. In summary, the available evidence is currently insufficient to determine the role of this variant in disease. Therefore, it has been classified as a Variant of Uncertain Significance.

NM_000426.4(LAMA2):c.8342C>T (p.Thr2781Ile)

Genes: LAMA2 (laminin subunit alpha 2; plus strand), LOC126859784 (CDK7 strongly-dependent group 2 enhancer GRCh37_chr6:129822854-129824053; plus strand). Cytogenetic location: 6q22.33.
Variant type: single nucleotide variant.
Coding change: c.8342C>T on transcript NM_000426.4 (MANE Select); coding-DNA position 8342, C replaced by T.
Protein change: p.Thr2781Ile; replaces threonine 2781 with isoleucine.
Molecular consequence: missense variant.
Genome position (GRCh38, 1-based): chr6:129,502,756, C>T. VCF-style: chr6-129502756-C-T. GRCh37 (hg19) VCF-style: chr6-129823901-C-T.
Other names: c.8330C>T, p.Thr2777Ile (NM_001079823.2); short protein forms T2781I, T2777I.
Identifiers: ClinVar variation 2164652 (VCV002164652.1), dbSNP rs1331691994, ClinGen allele CA365633916.